The following is an entry in ClinVar:

NM_031935.3(HMCN1):c.15238C>T (p.His5080Tyr)

Gene: HMCN1 (hemicentin 1; plus strand). Cytogenetic location: 1q31.1.
Variant type: single nucleotide variant.
Coding change: c.15238C>T on transcript NM_031935.3 (MANE Select); coding-DNA position 15238, C replaced by T.
Protein change: p.His5080Tyr; replaces histidine 5080 with tyrosine.
Molecular consequence: missense variant.
Genome position (GRCh38, 1-based): chr1:186,153,969, C>T. VCF-style: chr1-186153969-C-T. GRCh37 (hg19) VCF-style: chr1-186123101-C-T.
Other names: short protein forms H5080Y.
Identifiers: ClinVar variation 2111002 (VCV002111002.4), dbSNP rs2528162303, ClinGen allele CA343924918.
Genomic context (GRCh38, chr1:186,153,969, plus strand): 5'-CATGCATCCTCTGTGGAATCTGACTATAACCAGATAGAAGAGACACTGGGTTTTAAAATT[C>T]ATGCTTCAATATCCAAAGGTAATTTGATAAAAGAAAATCCATATCTTTATGCCATCCAGT-3'
Protein context (NP_114141.2, residues 5070-5090): QIEETLGFKI[His5080Tyr]ASISKGDRSN

ClinVar aggregate classification (germline): Uncertain significance (1 of 4 stars; one submission).

Allele frequency attached by ClinVar (database versions not stated): gnomAD exomes below 0.00001.
gnomAD v4.1: 2 of 1,612,266 alleles (0.00012%); highest among the groups gnomAD compares: Non-Finnish European, 0.00017%; no homozygotes.

Submission:

Labcorp Genetics (formerly Invitae), Labcorp
Classification: Uncertain significance. Last evaluated: 2022-09-05. Review status: criteria provided, single submitter. Criteria: Invitae Variant Classification Sherloc (09022015). Collection method: clinical testing. Allele origin: germline.
Comment: In summary, the available evidence is currently insufficient to determine the role of this variant in disease. Therefore, it has been classified as a Variant of Uncertain Significance. Algorithms developed to predict the effect of missense changes on protein structure and function (SIFT, PolyPhen-2, Align-GVGD) all suggest that this variant is likely to be disruptive. This sequence change replaces histidine, which is basic and polar, with tyrosine, which is neutral and polar, at codon 5080 of the HMCN1 protein (p.His5080Tyr). This variant is not present in population databases (gnomAD no frequency). This variant has not been reported in the literature in individuals affected with HMCN1-related conditions.